The following is an entry in ClinVar:

ClinVar aggregate classification (germline): Uncertain significance (1 of 4 stars; one submission).

Conditions:
Severe myoclonic epilepsy in infancy (DRVT). Also called: Dravet syndrome; Epileptic encephalopathy, early infantile, 6 (Dravet syndrome); SEVERE MYOCLONIC EPILEPSY OF INFANCY; DEVELOPMENTAL AND EPILEPTIC ENCEPHALOPATHY 6A; Severe Myoclonic Epilepsy in Infancy (SMEI). Identifiers: Orphanet 33069, MedGen C0751122, MONDO:0100135, OMIM 607208.

Submission:

Labcorp Genetics (formerly Invitae), Labcorp
Classification: Uncertain significance for Severe myoclonic epilepsy in infancy. Last evaluated: 2022-03-22. Review status: criteria provided, single submitter. Criteria: Invitae Variant Classification Sherloc (09022015). Collection method: clinical testing. Allele origin: germline.
Comment: This variant, c.844_846dup, results in the insertion of 1 amino acid(s) of the SNX27 protein (p.Pro282dup), but otherwise preserves the integrity of the reading frame. This variant is not present in population databases (gnomAD no frequency). This variant has not been reported in the literature in individuals affected with SNX27-related conditions. Experimental studies and prediction algorithms are not available or were not evaluated, and the functional significance of this variant is currently unknown. In summary, the available evidence is currently insufficient to determine the role of this variant in disease. Therefore, it has been classified as a Variant of Uncertain Significance.

NM_001330723.2(SNX27):c.844_846dup (p.Pro282_Asp283insPro)

Gene: SNX27 (sorting nexin 27; plus strand). Cytogenetic location: 1q21.3.
Variant type: Duplication.
Coding change: c.844_846dup on transcript NM_001330723.2 (MANE Select); coding-DNA positions 844 to 846, 3 bases duplicated (CCA; older notation c.844_846dupCCA).
Protein change: p.Pro282_Asp283insPro.
Molecular consequence: inframe insertion.
Genome position (GRCh38, 1-based): chr1:151,662,208-151,662,210, CCA duplicated; duplicating any 3 consecutive bases within chr1:151,662,207-151,662,210 gives the same sequence; the c. name uses the placement nearest the transcript's 3' end. VCF-style (leftmost placement, unchanged base first): chr1-151662206-T-TACC. GRCh37 (hg19) VCF-style: chr1-151634682-T-TACC.
Other names: c.844_846dup, p.Pro282_Asp283insPro (NM_030918.6).
Identifiers: ClinVar variation 2064354 (VCV002064354.1), dbSNP rs1669992330, ClinGen allele CA2479678738.